The following is an entry in ClinVar:

ClinVar aggregate classification (germline): Conflicting classifications of pathogenicity. Review status: criteria provided, conflicting classifications (1 of 4 stars). 5 submissions from 5 submitters: Pathogenic (1); Likely pathogenic (3); Uncertain significance (1). Last evaluated 2025-08-29.

Conditions:
Hypophosphatasia. Also called: Phosphoethanol-aminuria. Identifiers: Orphanet 436, MedGen C0020630, MeSH D007014, MONDO:0018570.

gnomAD v4.1: 1 of 1,614,178 alleles (0.000062%); highest among the groups gnomAD compares: Non-Finnish European, 0.000085%; no homozygotes.

Submissions (5):

Genomenon, Inc
Classification: Likely pathogenic for Hypophosphatasia. Last evaluated: 2025-08-29. Review status: criteria provided, single submitter. Criteria: Genomenon Sequence Variant Interpretation Standards. Collection method: curation. Allele origin: germline. Affected: yes.
Comment: ALPL c.1004G>C is a missense variant that changes the amino acid at residue 335 from Arginine to Threonine. This variant has been observed in at least one proband affected with hypophosphatasia (PMID:33191482). At least one functional study has demonstrated a substantial alteration in protein function relative to the wild-type (PMID:32160374). It is absent or not present at a significant frequency in gnomAD. In silico models agree that this variant is possibly or probably damaging. In conclusion, we classify ALPL p.Arg335Thr (c.1004G>C) as a likely pathogenic variant.

GeneDx
Classification: Pathogenic. Last evaluated: 2024-11-13. Review status: criteria provided, single submitter. Criteria: GeneDx Variant Classification Process June 2021. Collection method: clinical testing. Allele origin: germline. Affected: yes.
Comment: The R335T variant in the ALPL gene has not been reported previously as a pathogenic variant, nor as a benign variant, to our knowledge. The R335T variant was not observed in approximately 6,500 individuals of European and African American ancestry in the NHLBI Exome Sequencing Project, indicating it is not a common benign variant in these populations. The R335T variant is a semi-conservative amino acid substitution, which may impact secondary protein structure as these residues differ in some properties. This substitution occurs at a position that is conserved across species. In silico analysis predicts this variant is probably damaging to the protein structure/function. We interpret R335T as a variant of uncertain significance.

Labcorp Genetics (formerly Invitae), Labcorp
Classification: Likely pathogenic. Last evaluated: 2023-10-17. Review status: criteria provided, single submitter. Criteria: Invitae Variant Classification Sherloc (09022015). Collection method: clinical testing. Allele origin: germline.
Comment: This sequence change replaces arginine, which is basic and polar, with threonine, which is neutral and polar, at codon 335 of the ALPL protein (p.Arg335Thr). This variant is not present in population databases (gnomAD no frequency). This missense change has been observed in individuals with clinical features of hypophosphatasia (PMID: 33191482; Invitae). ClinVar contains an entry for this variant (Variation ID: 392980). Advanced modeling of protein sequence and biophysical properties (such as structural, functional, and spatial information, amino acid conservation, physicochemical variation, residue mobility, and thermodynamic stability) performed at Invitae indicates that this missense variant is expected to disrupt ALPL protein function. Experimental studies have shown that this missense change affects ALPL function (PMID: 32160374). In summary, the currently available evidence indicates that the variant is pathogenic, but additional data are needed to prove that conclusively. Therefore, this variant has been classified as Likely Pathogenic.

JKU Lab, Dept of Paediatrics, Johannes Kepler University
Classification: Likely pathogenic for Hypophosphatasia. Last evaluated: 2023-02-14. Review status: criteria provided, single submitter. Criteria: ACMG Guidelines, 2015. Collection method: clinical testing. Allele origin: germline. Affected: yes. Observed: 1 heterozygote.
Comment: Absent in GnomAD. The functional test results and ACMG criteria applied can be looked up in the ALPL gene variant database.

Eurofins Ntd Llc (ga)
Classification: Uncertain significance. Last evaluated: 2018-06-05. Review status: criteria provided, single submitter. Criteria: EGL ClinVar v180209 classification definitions. Collection method: clinical testing. Allele origin: germline. Observed: 1 variant allele, 1 heterozygote.

Literature cited by the submitters: PubMed 33191482 (cited by Genomenon, Inc and Labcorp Genetics (formerly Invitae), Labcorp); PubMed 32160374 (cited by Genomenon, Inc and Labcorp Genetics (formerly Invitae), Labcorp).

NM_000478.6(ALPL):c.1004G>C (p.Arg335Thr)

Gene: ALPL (alkaline phosphatase, biomineralization associated; plus strand). Cytogenetic location: 1p36.12.
Variant type: single nucleotide variant.
Coding change: c.1004G>C on transcript NM_000478.6 (MANE Select); coding-DNA position 1004, G replaced by C.
Protein change: p.Arg335Thr; replaces arginine 335 with threonine.
Molecular consequence: missense variant.
Genome position (GRCh38, 1-based): chr1:21,575,739, G>C. VCF-style: chr1-21575739-G-C. GRCh37 (hg19) VCF-style: chr1-21902232-G-C.
Other names: c.839G>C, p.Arg280Thr (NM_001127501.4); c.773G>C, p.Arg258Thr (NM_001177520.3); c.1004G>C, p.Arg335Thr (NM_001369803.2, NM_001369804.2, NM_001369805.2); short protein forms R335T, R258T, R280T.
Identifiers: ClinVar variation 392980 (VCV000392980.13), dbSNP rs1057524727, ClinGen allele CA16603569.